The following is an entry in ClinVar:

NM_022765.4(MICAL1):c.1944G>T (p.Lys648Asn)

Gene: MICAL1 (microtubule associated monooxygenase, calponin and LIM domain containing 1; minus strand). Cytogenetic location: 6q21.
Variant type: single nucleotide variant.
Coding change: c.1944G>T on transcript NM_022765.4 (MANE Select); coding-DNA position 1944, G replaced by T.
Protein change: p.Lys648Asn; replaces lysine 648 with asparagine.
Molecular consequence: missense variant.
Genome position (GRCh38, 1-based): chr6:109,447,875, C>A on the plus strand (G>T on the coding strand, the complement: MICAL1 is on the minus strand). VCF-style: chr6-109447875-C-A. GRCh37 (hg19) VCF-style: chr6-109769078-C-A.
Other names: c.1686G>T, p.Lys562Asn (NM_001159291.2); c.2001G>T, p.Lys667Asn (NM_001286613.2); short protein forms K667N, K648N, K562N.
Identifiers: ClinVar variation 2734768 (VCV002734768.3), dbSNP rs2482783858, ClinGen allele CA365226392.

ClinVar aggregate classification (germline): Uncertain significance (1 of 4 stars; one submission).

Submission:

Labcorp Genetics (formerly Invitae), Labcorp
Classification: Uncertain significance. Last evaluated: 2025-08-11. Review status: criteria provided, single submitter. Criteria: Invitae Variant Classification Sherloc (09022015). Collection method: clinical testing. Allele origin: germline.
Comment: This sequence change replaces lysine, which is basic and polar, with asparagine, which is neutral and polar, at codon 667 of the MICAL1 protein (p.Lys667Asn). This variant also falls at the last nucleotide of exon 14, which is part of the consensus splice site for this exon. This variant is not present in population databases (gnomAD no frequency). This variant has not been reported in the literature in individuals affected with MICAL1-related conditions. ClinVar contains an entry for this variant (Variation ID: 2734768). An algorithm developed to predict the effect of missense changes on protein structure and function (PolyPhen-2) suggests that this variant is likely to be tolerated. Variants that disrupt the consensus splice site are a relatively common cause of aberrant splicing (PMID: 17576681, 9536098). Algorithms developed to predict the effect of sequence changes on RNA splicing suggest that this variant may disrupt the consensus splice site. In summary, the available evidence is currently insufficient to determine the role of this variant in disease. Therefore, it has been classified as a Variant of Uncertain Significance.

Literature cited by the submitters: PubMed 17576681; PubMed 9536098.